The following is an entry in ClinVar:

ClinVar aggregate classification (germline): Likely benign (1 of 4 stars; one submission).

Conditions:
Malignant hyperthermia, susceptibility to, 1 (MHS1). Also called: Anesthesia related hyperthermia; Malignant hyperpyrexia; Fulminating hyperpyrexia; Pharmacogenic myopathy; RYR1-Related Malignant Hyperthermia Susceptibility; Malignant hyperthermia suceptibility 1. Identifiers: Orphanet 423, MedGen C2930980, MONDO:0007783, OMIM 145600.

Allele frequency attached by ClinVar (database versions not stated): TOPMed below 0.00001; gnomAD 0.00001.
gnomAD v4.1: 2 of 1,613,226 alleles (0.00012%); highest among the groups gnomAD compares: Non-Finnish European, 0.00017%; no homozygotes.

Submission:

All of Us Research Program, National Institutes of Health
Classification: Likely benign for Malignant hyperthermia, susceptibility to, 1. Last evaluated: 2023-12-13. Review status: criteria provided, single submitter. Criteria: ACMG Guidelines, 2015. Collection method: clinical testing. Allele origin: germline. Inheritance: Autosomal dominant inheritance. Observed: 1 variant allele, 1 heterozygote.
Comment: This study involves interpretation of variants in research participants for the purpose of population health screening. Participant phenotype was not available at the time of variant classification. Additional details can be found in publication PMID: 35346344, PMCID: PMC8962531

NM_000540.3(RYR1):c.11334G>C (p.Val3778=)

Gene: RYR1 (ryanodine receptor 1; plus strand). Cytogenetic location: 19q13.2.
Variant type: single nucleotide variant.
Coding change: c.11334G>C on transcript NM_000540.3 (MANE Select); coding-DNA position 11334, G replaced by C.
Protein change: p.Val3778=; no amino-acid change (valine 3778 retained).
Molecular consequence: synonymous variant.
Genome position (GRCh38, 1-based): chr19:38,534,794, G>C. VCF-style: chr19-38534794-G-C. GRCh37 (hg19) VCF-style: chr19-39025434-G-C.
Other names: c.11319G>C, p.Val3773= (NM_001042723.2).
Identifiers: ClinVar variation 3074761 (VCV003074761.1), dbSNP rs750080558, ClinGen allele CA507238873.